The following is an entry in ClinVar:

NM_004859.4(CLTC):c.3260A>G (p.Glu1087Gly)

Gene: CLTC (clathrin heavy chain; plus strand). Cytogenetic location: 17q23.1.
Variant type: single nucleotide variant.
Coding change: c.3260A>G on transcript NM_004859.4 (MANE Select); coding-DNA position 3260, A replaced by G.
Protein change: p.Glu1087Gly; replaces glutamic acid 1087 with glycine.
Molecular consequence: missense variant.
Genome position (GRCh38, 1-based): chr17:59,681,657, A>G. VCF-style: chr17-59681657-A-G. GRCh37 (hg19) VCF-style: chr17-57759018-A-G.
Other names: c.3272A>G, p.Glu1091Gly (NM_001288653.2); short protein forms E1087G, E1091G.
Identifiers: ClinVar variation 4741954 (VCV004741954.1).

ClinVar aggregate classification (germline): Uncertain significance (1 of 4 stars; one submission).

Submission:

Labcorp Genetics (formerly Invitae), Labcorp
Classification: Uncertain significance. Last evaluated: 2025-07-06. Review status: criteria provided, single submitter. Criteria: Invitae Variant Classification Sherloc (09022015). Collection method: clinical testing. Allele origin: germline.
Comment: This sequence change replaces glutamic acid, which is acidic and polar, with glycine, which is neutral and non-polar, at codon 1091 of the CLTC protein (p.Glu1091Gly). This variant is not present in population databases (gnomAD no frequency). This variant has not been reported in the literature in individuals affected with CLTC-related conditions. Invitae Evidence Modeling of protein sequence and biophysical properties (such as structural, functional, and spatial information, amino acid conservation, physicochemical variation, residue mobility, and thermodynamic stability) indicates that this missense variant is not expected to disrupt CLTC protein function with a negative predictive value of 80%. In summary, the available evidence is currently insufficient to determine the role of this variant in disease. Therefore, it has been classified as a Variant of Uncertain Significance.